The following is an entry in ClinVar:

NM_001077706.3(ECT2L):c.1672_1674dup (p.Ile558dup)

Gene: ECT2L (epithelial cell transforming 2 like; plus strand). Cytogenetic location: 6q24.1.
Variant type: Duplication.
Coding change: c.1672_1674dup on transcript NM_001077706.3 (MANE Select); coding-DNA positions 1672 to 1674, 3 bases duplicated (ATA; older notation c.1672_1674dupATA).
Protein change: p.Ile558dup; duplicates isoleucine 558.
Molecular consequence: inframe insertion.
Genome position (GRCh38, 1-based): chr6:138,880,963-138,880,965, ATA duplicated; duplicating any 3 consecutive bases within chr6:138,880,962-138,880,965 gives the same sequence; the c. name uses the placement nearest the transcript's 3' end. VCF-style (leftmost placement, unchanged base first): chr6-138880961-G-GAAT. GRCh37 (hg19) VCF-style: chr6-139202098-G-GAAT.
Other names: c.1672_1674dup, p.Ile558dup (NM_001195037.2).
Identifiers: ClinVar variation 133991 (VCV000133991.1), dbSNP rs587778239, ClinGen allele CA158353.
Genomic context (GRCh38, chr6:138,880,961, plus strand): 5'-TGCTCAGCACTTCTACTTCTCCATCACTGACTTGAGTTCTTAACACTTCTCTACAGGAGA[G>GAAT]AATACTCCAGAAGGACTCAGCAGAAAAGCGAGCTAGAGTTGTCAGAGAACTCTTACAGAG-3'

ClinVar aggregate classification (germline): not provided (0 of 4 stars; one submission).

Submission:

ITMI
No classification provided. Condition: AllHighlyPenetrant. Last evaluated: 2013-09-19. Review status: no classification provided. Collection method: reference population. Allele origin: germline.
Comment: Please see associated publication for description of ethnicities

Literature cited by the submitters: PubMed 24728327.